The following is an entry in ClinVar:

ClinVar aggregate classification (germline): Pathogenic. Review status: criteria provided, multiple submitters, no conflicts (2 of 4 stars). 2 submissions from 2 submitters: Pathogenic (2). Last evaluated 2024-04-16.

Conditions:
Hereditary cancer-predisposing syndrome. Also called: Hereditary Cancer Syndrome; Hereditary neoplastic syndrome; Neoplastic Syndromes, Hereditary; Tumor predisposition. Identifiers: Orphanet 140162, MedGen C0027672, MeSH D009386, MONDO:0015356.

Allele frequency attached by ClinVar (database versions not stated): gnomAD exomes below 0.00001.
gnomAD v4.1: 2 of 1,613,424 alleles (0.00012%); highest among the groups gnomAD compares: Non-Finnish European, 0.00017%; no homozygotes.

Submissions (2):

Labcorp Genetics (formerly Invitae), Labcorp
Classification: Pathogenic for Hereditary cancer-predisposing syndrome. Last evaluated: 2024-04-16. Review status: criteria provided, single submitter. Criteria: Invitae Variant Classification Sherloc (09022015). Collection method: clinical testing. Allele origin: germline.
Comment: This sequence change creates a premature translational stop signal (p.Gln857*) in the RAD50 gene. It is expected to result in an absent or disrupted protein product. Loss-of-function variants in RAD50 are known to be pathogenic (PMID: 19409520). This variant is not present in population databases (gnomAD no frequency). This variant has not been reported in the literature in individuals affected with RAD50-related conditions. ClinVar contains an entry for this variant (Variation ID: 408414). For these reasons, this variant has been classified as Pathogenic.

Ambry Genetics
Classification: Pathogenic for Hereditary cancer-predisposing syndrome. Last evaluated: 2019-08-26. Review status: criteria provided, single submitter. Criteria: Ambry Variant Classification Scheme 2023. Collection method: clinical testing. Allele origin: germline.
Comment: The p.Q857* pathogenic mutation (also known as c.2569C>T), located in coding exon 16 of the RAD50 gene, results from a C to T substitution at nucleotide position 2569. This changes the amino acid from a glutamine to a stop codon within coding exon 16. This alteration is expected to result in loss of function by premature protein truncation or nonsense-mediated mRNA decay. As such, this alteration is interpreted as a disease-causing mutation.

Literature cited by the submitters: PubMed 19409520 (cited by Labcorp Genetics (formerly Invitae), Labcorp).

NM_005732.4(RAD50):c.2569C>T (p.Gln857Ter)

Gene: RAD50 (RAD50 double strand break repair protein; plus strand). Cytogenetic location: 5q31.1.
Variant type: single nucleotide variant.
Coding change: c.2569C>T on transcript NM_005732.4 (MANE Select); coding-DNA position 2569, C replaced by T.
Protein change: p.Gln857Ter; replaces glutamine 857 with a stop codon.
Molecular consequence: nonsense.
Genome position (GRCh38, 1-based): chr5:132,604,850, C>T. VCF-style: chr5-132604850-C-T. GRCh37 (hg19) VCF-style: chr5-131940542-C-T.
Other names: short protein forms Q857*.
Identifiers: ClinVar variation 408414 (VCV000408414.13), dbSNP rs1060501973, ClinGen allele CA16611837.